The following is an entry in ClinVar:

NM_024642.5(GALNT12):c.1311T>A (p.His437Gln)

Gene: GALNT12 (polypeptide N-acetylgalactosaminyltransferase 12; plus strand). Cytogenetic location: 9q22.33.
Variant type: single nucleotide variant.
Coding change: c.1311T>A on transcript NM_024642.5 (MANE Select); coding-DNA position 1311, T replaced by A.
Protein change: p.His437Gln; replaces histidine 437 with glutamine.
Molecular consequence: missense variant.
Genome position (GRCh38, 1-based): chr9:98,840,100, T>A. VCF-style: chr9-98840100-T-A. GRCh37 (hg19) VCF-style: chr9-101602382-T-A.
Other names: short protein forms H437Q.
Identifiers: ClinVar variation 3518514 (VCV003518514.1).

ClinVar aggregate classification (germline): Uncertain significance (1 of 4 stars; one submission).

gnomAD v4.1: 1 of 1,614,084 alleles (0.000062%); highest among the groups gnomAD compares: Non-Finnish European, 0.000085%; no homozygotes.

Submission:

Ambry Genetics
Classification: Uncertain significance. Last evaluated: 2024-10-28. Review status: criteria provided, single submitter. Criteria: Ambry Variant Classification Scheme 2023. Collection method: clinical testing. Allele origin: germline.
Comment: The p.H437Q variant (also known as c.1311T>A), located in coding exon 7 of the GALNT12 gene, results from a T to A substitution at nucleotide position 1311. The histidine at codon 437 is replaced by glutamine, an amino acid with highly similar properties. This amino acid position is conserved. In addition, this alteration is predicted to be tolerated by in silico analysis. Based on the available evidence, the clinical significance of this variant remains unclear.